The following is an entry in ClinVar:

NM_001278716.2(FBXL4):c.434C>G (p.Thr145Ser)

Gene: FBXL4 (F-box and leucine rich repeat protein 4; minus strand). Cytogenetic location: 6q16.2.
Variant type: single nucleotide variant.
Coding change: c.434C>G on transcript NM_001278716.2 (MANE Select); coding-DNA position 434, C replaced by G.
Protein change: p.Thr145Ser; replaces threonine 145 with serine.
Molecular consequence: missense variant. On other transcripts: non-coding transcript variant (2).
Genome position (GRCh38, 1-based): chr6:98,926,555, G>C on the plus strand (C>G on the coding strand, the complement: FBXL4 is on the minus strand). VCF-style: chr6-98926555-G-C. GRCh37 (hg19) VCF-style: chr6-99374431-G-C.
Other names: c.434C>G, p.Thr145Ser (NM_012160.5); short protein forms T145S.
Identifiers: ClinVar variation 437577 (VCV000437577.3), dbSNP rs755971635, ClinGen allele CA3933688.
Genomic context (GRCh38, chr6:98,926,555, plus strand): 5'-TTTGGGGAATAAGGATTTGCAGAACAAGCGAGAATTCTAATGACTGCTCCGGGATGATAG[G>C]TTTCTAGAACATGTACAGCTGTAGGATACACCTGTTGTTCAAAAGTAAGTTCCACATAGT-3'
Protein context (NP_001265645.1, residues 135-155): VYPTAVHVLE[Thr145Ser]YHPGAVIRIL

ClinVar aggregate classification (germline): Uncertain significance. Review status: criteria provided, multiple submitters, no conflicts (2 of 4 stars). 2 submissions from 2 submitters: Uncertain significance (2). Last evaluated 2022-04-01.

Conditions:
Mitochondrial DNA depletion syndrome 13. Also called: FBXL4-Related Encephalomyopathic Mitochondrial DNA Depletion Syndrome; Mitochondrial DNA depletion syndrome 13 (encephalomyopathic type). Identifiers: Orphanet 369897, MedGen C3809592, MONDO:0014198, OMIM 615471.

Allele frequency attached by ClinVar (database versions not stated): ExAC 0.00001; gnomAD exomes 0.00001 and 0.00003; TOPMed 0.00002; gnomAD 0.00003.
gnomAD v4.1: 40 of 1,614,012 alleles (0.0025%); highest among the groups gnomAD compares: Non-Finnish European, 0.0032%; no homozygotes.

Submissions (2):

Labcorp Genetics (formerly Invitae), Labcorp
Classification: Uncertain significance. Last evaluated: 2022-04-01. Review status: criteria provided, single submitter. Criteria: Invitae Variant Classification Sherloc (09022015). Collection method: clinical testing. Allele origin: germline.
Comment: This sequence change replaces threonine, which is neutral and polar, with serine, which is neutral and polar, at codon 145 of the FBXL4 protein (p.Thr145Ser). This variant is present in population databases (rs755971635, gnomAD 0.002%). This variant has not been reported in the literature in individuals affected with FBXL4-related conditions. ClinVar contains an entry for this variant (Variation ID: 437577). Advanced modeling of protein sequence and biophysical properties (such as structural, functional, and spatial information, amino acid conservation, physicochemical variation, residue mobility, and thermodynamic stability) performed at Invitae indicates that this missense variant is expected to disrupt FBXL4 protein function. In summary, the available evidence is currently insufficient to determine the role of this variant in disease. Therefore, it has been classified as a Variant of Uncertain Significance.

Wong Mito Lab, Molecular and Human Genetics, Baylor College of Medicine
Classification: Uncertain significance for Mitochondrial DNA depletion syndrome 13. Last evaluated: 2017-08-10. Review status: criteria provided, single submitter. Criteria: ACMG Guidelines, 2015. Collection method: reference population. Allele origin: germline.
Comment: The NM_012160.4:c.434C>G (NP_036292.2:p.Thr145Ser) [GRCH38: NC_000006.12:g.98926555G>C] variant in FBXL4 gene is interpretated to be a Uncertain Significance - Insufficient Evidence based on ACMG guidelines (PMID: 25741868). This variant meets one or more of the following evidence codes reported in the ACMG-guideline. PM2:This variant is absent in key population databases. Based on this evidence code ClinGen Pathogenicity Calculator (PMID:28081714) suggested that the variant is Uncertain Significance - Insufficient Evidence.